The following is an entry in ClinVar:

ClinVar aggregate classification (germline): Pathogenic (1 of 4 stars; one submission).

Conditions:
Diamond-Blackfan anemia. Also called: Blackfan Diamond syndrome; Aregenerative anemia chronic congenital; Red cell aplasia, pure hereditary; Congenital hypoplastic anemia; Aase syndrome. Identifiers: Orphanet 124, MedGen C1260899, MeSH D029503, MONDO:0015253, HP:0004810.

Submission:

Ambry Genetics
Classification: Pathogenic for Diamond-Blackfan anemia. Last evaluated: 2016-02-12. Review status: criteria provided, single submitter. Criteria: Ambry Variant Classification Scheme 2023. Collection method: clinical testing. Allele origin: germline.
Comment: The p.M1? pathogenic mutation (also known as c.2T>C), located in coding exon 1 of the RPS24 gene, results from a T to C substitution at nucleotide position 2. This causes the loss of the initiation codon. Functional studies of fibroblasts showed a reduction in protein and impaired cell growth in cells with this mutation (Badhai J et al, Biochim. Biophys. Acta 2009 Oct; 1792(10):1036-42). It was also reported in another DBA patient (Ghemlas I et al, J. Med. Genet. 2015 Sep; 52(9):575-84). In addition to the clinical data presented in the literature, since sequence variations that modify the initiation codon (ATG) are expected to cause a shift in the mRNA reading frame, this alteration is interpreted as a disease-causing mutation (ACMG Recommendations for Standards for Interpretation and Reporting of Sequence Variations. Revision 2007. Genet Med. 2008;10:294).

Literature cited by the submitters: PubMed 19689926; PubMed 26136524.

NM_033022.4(RPS24):c.2T>C (p.Met1Thr)

Genes: RPS24 (ribosomal protein S24; plus strand), LOC130004144 (ATAC-STARR-seq lymphoblastoid active region 3613; plus strand). Cytogenetic location: 10q22.3.
Variant type: single nucleotide variant.
Coding change: c.2T>C on transcript NM_033022.4 (MANE Select); coding-DNA position 2, T replaced by C.
Protein change: p.Met1Thr; changes the start codon (methionine 1).
Molecular consequence: missense variant, initiator codon variant.
Genome position (GRCh38, 1-based): chr10:78,033,903, T>C. VCF-style: chr10-78033903-T-C. GRCh37 (hg19) VCF-style: chr10-79793661-T-C.
Other names: c.2T>C, p.Met1Thr (NM_001026.5, NM_001142282.2, NM_001142283.2 and 2 more transcripts); short protein forms M1T.
Identifiers: ClinVar variation 1798673 (VCV001798673.3), dbSNP rs2493274026, ClinGen allele CA377326422.